The following is an entry in ClinVar:

ClinVar aggregate classification (germline): Uncertain significance. Review status: criteria provided, single submitter (1 of 4 stars). 2 submissions from 2 submitters: Uncertain significance (1). 1 of the submissions does not count toward it. Last evaluated 2025-08-12.

Conditions:
Usher syndrome type 2A. Also called: RETINAL DISEASE IN USHER SYNDROME TYPE IIA, MODIFIER OF; USHER SYNDROME, TYPE IIA. Identifiers: Orphanet 231178, Orphanet 886, MedGen C1848634, MONDO:0010169, OMIM 276901.

Submissions (2):

Labcorp Genetics (formerly Invitae), Labcorp
Classification: Uncertain significance. Last evaluated: 2025-08-12. Review status: criteria provided, single submitter. Criteria: Invitae Variant Classification Sherloc (09022015). Collection method: clinical testing. Allele origin: germline.
Comment: This sequence change replaces glycine, which is neutral and non-polar, with aspartic acid, which is acidic and polar, at codon 3247 of the USH2A protein (p.Gly3247Asp). This variant is not present in population databases (gnomAD no frequency). This variant has not been reported in the literature in individuals affected with USH2A-related conditions. An algorithm developed to predict the effect of missense changes on protein structure and function (PolyPhen-2) suggests that this variant is likely to be disruptive. In summary, the available evidence is currently insufficient to determine the role of this variant in disease. Therefore, it has been classified as a Variant of Uncertain Significance.

Natera, Inc.
Classification: Uncertain significance for Usher syndrome type 2A. Last evaluated: 2025-04-17. Review status: no assertion criteria provided. Collection method: clinical testing. Allele origin: germline. Not counted in ClinVar's aggregate classification.

NM_206933.4(USH2A):c.9740G>A (p.Gly3247Asp)

Gene: USH2A (usherin; minus strand). Cytogenetic location: 1q41.
Variant type: single nucleotide variant.
Coding change: c.9740G>A on transcript NM_206933.4 (MANE Select); coding-DNA position 9740, G replaced by A.
Protein change: p.Gly3247Asp; replaces glycine 3247 with aspartic acid.
Molecular consequence: missense variant.
Genome position (GRCh38, 1-based): chr1:215,799,125, C>T on the plus strand (G>A on the coding strand, the complement: USH2A is on the minus strand). VCF-style: chr1-215799125-C-T. GRCh37 (hg19) VCF-style: chr1-215972467-C-T.
Other names: short protein forms G3247D.
Identifiers: ClinVar variation 4062633 (VCV004062633.2).